The following is an entry in ClinVar:

NM_003476.5(CSRP3):c.415-10T>A

Gene: CSRP3 (cysteine and glycine rich protein 3; minus strand). Cytogenetic location: 11p15.1.
Variant type: single nucleotide variant.
Coding change: c.415-10T>A on transcript NM_003476.5 (MANE Select); 10 bases into the intron before coding-DNA position 415, T replaced by A.
Molecular consequence: intron variant.
Genome position (GRCh38, 1-based): chr11:19,185,055, A>T on the plus strand (T>A on the coding strand, the complement: CSRP3 is on the minus strand). VCF-style: chr11-19185055-A-T. GRCh37 (hg19) VCF-style: chr11-19206602-A-T.
Other names: c.246-10T>A (NM_001369404.1).
Identifiers: ClinVar variation 2105932 (VCV002105932.4), dbSNP rs2494218781, ClinGen allele CA2580082841.

ClinVar aggregate classification (germline): Uncertain significance (1 of 4 stars; one submission).

Conditions:
Dilated cardiomyopathy 1M (CMD1M). Identifiers: Orphanet 154, MedGen C1843808, MONDO:0011840, OMIM 607482.
Hypertrophic cardiomyopathy 12. Identifiers: MedGen C2677491, MONDO:0012804, OMIM 612124.

Submission:

Labcorp Genetics (formerly Invitae), Labcorp
Classification: Uncertain significance for Hypertrophic cardiomyopathy 12; Dilated cardiomyopathy 1M. Last evaluated: 2022-03-04. Review status: criteria provided, single submitter. Criteria: Invitae Variant Classification Sherloc (09022015). Collection method: clinical testing. Allele origin: germline.
Comment: Algorithms developed to predict the effect of sequence changes on RNA splicing suggest that this variant may disrupt the consensus splice site. In summary, the available evidence is currently insufficient to determine the role of this variant in disease. Therefore, it has been classified as a Variant of Uncertain Significance. This variant has not been reported in the literature in individuals affected with CSRP3-related conditions. This sequence change falls in intron 5 of the CSRP3 gene. It does not directly change the encoded amino acid sequence of the CSRP3 protein. This variant is not present in population databases (gnomAD no frequency).